The following is an entry in ClinVar:

ClinVar aggregate classification (germline): Pathogenic (1 of 4 stars; one submission).

Conditions:
Retinoblastoma (RB1). Also called: RETINOBLASTOMA, SOMATIC. Identifiers: Orphanet 790, MedGen C0035335, MeSH D012175, MONDO:0008380, OMIM 180200, HP:0009919. Disease mechanism: loss of function. Inheritance: Both sporadic and heritable forms are tested..

Submission:

Genetic Diagnostic Laboratory, University of Pennsylvania School of Medicine
Classification: Pathogenic for Retinoblastoma. Last evaluated: 2024-05-20. Review status: criteria provided, single submitter. Criteria: ACMG Guidelines, 2015. Collection method: clinical testing. Allele origin: germline. Affected: yes. Observed: 1 variant allele.
Comment: Case and Pedigree Information: BILATERAL CASES:1, UNILATERAL CASES:0, TOTAL CASES:1, PEDIGREES:1. ACMG Codes Applied:PVS1, PM2

NM_000321.3(RB1):c.1433del (p.Asn478fs)

Gene: RB1 (RB transcriptional corepressor 1; plus strand). Cytogenetic location: 13q14.2.
Variant type: Deletion.
Coding change: c.1433del on transcript NM_000321.3 (MANE Select); coding-DNA position 1433, one base deleted (A; older notation c.1433delA).
Protein change: p.Asn478fs; shifts the reading frame from asparagine 478.
Molecular consequence: frameshift variant.
Genome position (GRCh38, 1-based): chr13:48,380,176, A deleted; the last of 2 consecutive A bases (chr13:48,380,175-48,380,176); deleting either gives the same sequence. VCF-style (leftmost placement, unchanged base first): chr13-48380174-GA-G. GRCh37 (hg19) VCF-style: chr13-48954310-GA-G.
Other names: c.1433del, p.Asn478fs (NM_001407165.1, NM_001407166.1); short protein forms N478fs.
Identifiers: ClinVar variation 3236988 (VCV003236988.1), dbSNP rs2542204553.
Genomic context (GRCh38, chr13:48,380,174, plus strand): 5'-TTTTCTTTTTATAGAAGTAAGTATTTTATAATCTTTTTTTTTTTCCTTTAGCAAACTTCT[GA>G]ATGACAACATTTTTCATATGTCTTTATTGGCGTGCGCTCTTGAGGTTGTAATGGCCACAT-3'